The following is an entry in ClinVar:

NM_001376.5(DYNC1H1):c.10432C>G (p.Leu3478Val)

Gene: DYNC1H1 (dynein cytoplasmic 1 heavy chain 1; plus strand). Cytogenetic location: 14q32.31.
Variant type: single nucleotide variant.
Coding change: c.10432C>G on transcript NM_001376.5 (MANE Select); coding-DNA position 10432, C replaced by G.
Protein change: p.Leu3478Val; replaces leucine 3478 with valine.
Molecular consequence: missense variant.
Genome position (GRCh38, 1-based): chr14:102,033,994, C>G. VCF-style: chr14-102033994-C-G. GRCh37 (hg19) VCF-style: chr14-102500331-C-G.
Other names: short protein forms L3478V.
Identifiers: ClinVar variation 3506018 (VCV003506018.2).

ClinVar aggregate classification (germline): Uncertain significance (1 of 4 stars; one submission).

Conditions:
Inborn genetic diseases. Identifiers: MedGen C0950123, MeSH D030342.

Submission:

Ambry Genetics
Classification: Uncertain significance for Inborn genetic diseases. Last evaluated: 2024-12-17. Review status: criteria provided, single submitter. Criteria: Ambry Variant Classification Scheme 2023. Collection method: clinical testing. Allele origin: germline.
Comment: The c.10432C>G (p.L3478V) alteration is located in exon 55 (coding exon 55) of the DYNC1H1 gene. This alteration results from a C to G substitution at nucleotide position 10432, causing the leucine (L) at amino acid position 3478 to be replaced by a valine (V). This variant was not reported in population-based cohorts in the Genome Aggregation Database (gnomAD). This amino acid position is highly conserved in available vertebrate species. This alteration is predicted to be deleterious by in silico analysis. Based on insufficient or conflicting evidence, the clinical significance of this alteration remains unclear.